The following is an entry in ClinVar:

NM_002519.3(NPAT):c.2446A>C (p.Thr816Pro)

Gene: NPAT (nuclear protein, coactivator of histone transcription; minus strand). Cytogenetic location: 11q22.3.
Variant type: single nucleotide variant.
Coding change: c.2446A>C on transcript NM_002519.3 (MANE Select); coding-DNA position 2446, A replaced by C.
Protein change: p.Thr816Pro; replaces threonine 816 with proline.
Molecular consequence: missense variant.
Genome position (GRCh38, 1-based): chr11:108,172,538, T>G on the plus strand (A>C on the coding strand, the complement: NPAT is on the minus strand). VCF-style: chr11-108172538-T-G. GRCh37 (hg19) VCF-style: chr11-108043265-T-G.
Other names: c.2446A>C, p.Thr816Pro (NM_001321307.1); short protein forms T816P.
Identifiers: ClinVar variation 2496659 (VCV002496659.2), dbSNP rs34027029, ClinGen allele CA6263810.
Genomic context (GRCh38, chr11:108,172,538, plus strand): 5'-AAAAAGCAATGCCATCTTCATTCTGAGTATTGTTTACTGCAGAGTCTTCAGATTTGAATG[T>G]TAAAAGACTCTGTTCCATTGAGGCTGAATCCCCTACTTCGGCATATACAACAGCACCTAC-3'
Protein context (NP_002510.2, residues 806-826): DSASMEQSLL[Thr816Pro]FKSEDSAVNN

ClinVar aggregate classification (germline): Uncertain significance (1 of 4 stars; one submission).

gnomAD v4.1: 27 of 1,614,110 alleles (0.0017%); highest among the groups gnomAD compares: Middle Eastern, 0.016%; no homozygotes.

Submission:

Ambry Genetics
Classification: Uncertain significance. Last evaluated: 2022-11-17. Review status: criteria provided, single submitter. Criteria: Ambry Variant Classification Scheme 2023. Collection method: clinical testing. Allele origin: germline.
Comment: The p.T816P variant (also known as c.2446A>C), located in coding exon 13 of the NPAT gene, results from an A to C substitution at nucleotide position 2446. The threonine at codon 816 is replaced by proline, an amino acid with highly similar properties. This amino acid position is conserved. In addition, this alteration is predicted to be tolerated by in silico analysis. Since supporting evidence is limited at this time, the clinical significance of this alteration remains unclear.